The following is an entry in ClinVar:

ClinVar aggregate classification (germline): Uncertain significance (1 of 4 stars; one submission).

Submission:

GeneDx
Classification: Uncertain significance. Last evaluated: 2025-07-23. Review status: criteria provided, single submitter. Criteria: GeneDx Variant Classification Process June 2021. Collection method: clinical testing. Allele origin: germline. Affected: yes.
Comment: Not observed at significant frequency in large population cohorts (gnomAD); In silico analysis suggests that this missense variant does not alter protein structure/function; Has not been previously published as pathogenic or benign to our knowledge

NM_001170629.2(CHD8):c.4607A>G (p.Lys1536Arg)

Gene: CHD8 (chromodomain helicase DNA binding protein 8; minus strand). Cytogenetic location: 14q11.2.
Variant type: single nucleotide variant.
Coding change: c.4607A>G on transcript NM_001170629.2 (MANE Select); coding-DNA position 4607, A replaced by G.
Protein change: p.Lys1536Arg; replaces lysine 1536 with arginine.
Molecular consequence: missense variant.
Genome position (GRCh38, 1-based): chr14:21,400,271, T>C on the plus strand (A>G on the coding strand, the complement: CHD8 is on the minus strand). VCF-style: chr14-21400271-T-C. GRCh37 (hg19) VCF-style: chr14-21868430-T-C.
Other names: c.3770A>G, p.Lys1257Arg (NM_020920.4); short protein forms K1257R, K1536R.
Identifiers: ClinVar variation 4687023 (VCV004687023.1).